The following is an entry in ClinVar:

ClinVar aggregate classification (germline): Conflicting classifications of pathogenicity. Review status: criteria provided, conflicting classifications (1 of 4 stars). 4 submissions from 4 submitters: Uncertain significance (3); Likely benign (1). Last evaluated 2025-04-16.

Conditions:
Inborn genetic diseases. Identifiers: MedGen C0950123, MeSH D030342.
ABCA4-related disorder. Also called: ABCA4-related disorders; ABCA4-related condition. Identifiers: MedGen CN239167.

Allele frequency attached by ClinVar (database versions not stated): ExAC 0.00002; gnomAD 0.00002; gnomAD exomes 0.00003 and 0.00014; TOPMed 0.00005.
gnomAD v4.1: 205 of 1,612,316 alleles (0.013%); highest among the groups gnomAD compares: Non-Finnish European, 0.017%; no homozygotes.

Submissions (4):

Labcorp Genetics (formerly Invitae), Labcorp
Classification: Uncertain significance. Last evaluated: 2025-04-16. Review status: criteria provided, single submitter. Criteria: Invitae Variant Classification Sherloc (09022015). Collection method: clinical testing. Allele origin: germline.
Comment: This sequence change replaces glutamine, which is neutral and polar, with lysine, which is basic and polar, at codon 515 of the ABCA4 protein (p.Gln515Lys). This variant is present in population databases (rs767631662, gnomAD 0.007%). This variant has not been reported in the literature in individuals affected with ABCA4-related conditions. ClinVar contains an entry for this variant (Variation ID: 1005777). An algorithm developed to predict the effect of missense changes on protein structure and function outputs the following: PolyPhen-2: "Benign". The lysine amino acid residue is found in multiple mammalian species, which suggests that this missense change does not adversely affect protein function. In summary, the available evidence is currently insufficient to determine the role of this variant in disease. Therefore, it has been classified as a Variant of Uncertain Significance.

PreventionGenetics, part of Exact Sciences
Classification: Uncertain significance for ABCA4-related condition. Last evaluated: 2025-03-25. Review status: criteria provided, single submitter. Criteria: ACMG Guidelines, 2015. Collection method: clinical testing. Allele origin: germline.
Comment: The ABCA4 c.1543C>A variant is predicted to result in the amino acid substitution p.Gln515Lys. To our knowledge, this variant has not been reported in the literature. This variant is reported in 0.0062% of alleles in individuals of African descent in gnomAD. At this time, the clinical significance of this variant is uncertain due to the absence of conclusive functional and genetic evidence.

Blueprint Genetics
Classification: Uncertain significance. Last evaluated: 2022-11-08. Review status: criteria provided, single submitter. Criteria: ACMG Guidelines, 2015. Collection method: clinical testing. Allele origin: germline.

Ambry Genetics
Classification: Likely benign for Inborn genetic diseases. Last evaluated: 2021-08-17. Review status: criteria provided, single submitter. Criteria: Ambry Variant Classification Scheme 2023. Collection method: clinical testing. Allele origin: germline.

NM_000350.3(ABCA4):c.1543C>A (p.Gln515Lys)

Gene: ABCA4 (ATP binding cassette subfamily A member 4; minus strand). Cytogenetic location: 1p22.1.
Variant type: single nucleotide variant.
Coding change: c.1543C>A on transcript NM_000350.3 (MANE Select); coding-DNA position 1543, C replaced by A.
Protein change: p.Gln515Lys; replaces glutamine 515 with lysine.
Molecular consequence: missense variant.
Genome position (GRCh38, 1-based): chr1:94,077,701, G>T on the plus strand (C>A on the coding strand, the complement: ABCA4 is on the minus strand). VCF-style: chr1-94077701-G-T. GRCh37 (hg19) VCF-style: chr1-94543257-G-T.
Other names: c.1543C>A, p.Gln515Lys (NM_001425324.1); short protein forms Q515K.
Identifiers: ClinVar variation 1005777 (VCV001005777.10), dbSNP rs767631662, ClinGen allele CA958498.